The following is an entry in ClinVar:

ClinVar aggregate classification (germline): Benign (0 of 4 stars; one submission).

Conditions:
DDX54-related disorder. Also called: DDX54-related condition.

Allele frequency attached by ClinVar (database versions not stated): gnomAD exomes 0.00678; ESP Exome Variant Server 0.00823; gnomAD 0.01242; TOPMed 0.01317; ExAC 0.01565; 1000 Genomes Project 30x 0.03607; 1000 Genomes Project 0.03974.
gnomAD v4.1: 12,161 of 1,614,254 alleles (0.75%); highest among the groups gnomAD compares: East Asian, 16%; 682 homozygotes.

Submission:

PreventionGenetics, part of Exact Sciences
Classification: Benign for DDX54-related condition. Last evaluated: 2019-12-05. Review status: no assertion criteria provided. Collection method: clinical testing. Allele origin: germline.
Comment: This variant is classified as benign based on ACMG/AMP sequence variant interpretation guidelines (Richards et al. 2015 PMID: 25741868, with internal and published modifications).

NM_024072.4(DDX54):c.1143C>T (p.Leu381=)

Gene: DDX54 (DEAD-box helicase 54; minus strand). Cytogenetic location: 12q24.13.
Variant type: single nucleotide variant.
Coding change: c.1143C>T on transcript NM_024072.4 (MANE Select); coding-DNA position 1143, C replaced by T.
Protein change: p.Leu381=; no amino-acid change (leucine 381 retained).
Molecular consequence: synonymous variant.
Genome position (GRCh38, 1-based): chr12:113,172,489, G>A on the plus strand (C>T on the coding strand, the complement: DDX54 is on the minus strand). VCF-style: chr12-113172489-G-A. GRCh37 (hg19) VCF-style: chr12-113610294-G-A.
Other names: c.1143C>T, p.Leu381= (NM_001111322.2).
Identifiers: ClinVar variation 3037646 (VCV003037646.2), dbSNP rs75658961, ClinGen allele CA6803731.